The following is an entry in ClinVar:

NM_004629.2(FANCG):c.343G>C (p.Glu115Gln)

Gene: FANCG (FA complementation group G; minus strand). Cytogenetic location: 9p13.3.
Variant type: single nucleotide variant.
Coding change: c.343G>C on transcript NM_004629.2 (MANE Select); coding-DNA position 343, G replaced by C.
Protein change: p.Glu115Gln; replaces glutamic acid 115 with glutamine.
Molecular consequence: missense variant.
Genome position (GRCh38, 1-based): chr9:35,078,308, C>G on the plus strand (G>C on the coding strand, the complement: FANCG is on the minus strand). VCF-style: chr9-35078308-C-G. GRCh37 (hg19) VCF-style: chr9-35078305-C-G.
Other names: short protein forms E115Q.
Identifiers: ClinVar variation 4619383 (VCV004619383.1).

ClinVar aggregate classification (germline): Uncertain significance (1 of 4 stars; one submission).

Conditions:
Inborn genetic diseases. Identifiers: MedGen C0950123, MeSH D030342.

Submission:

Ambry Genetics
Classification: Uncertain significance for Inborn genetic diseases. Last evaluated: 2025-10-29. Review status: criteria provided, single submitter. Criteria: Ambry Variant Classification Scheme 2023. Collection method: clinical testing. Allele origin: germline.
Comment: The p.E115Q variant (also known as c.343G>C), located in coding exon 4 of the FANCG gene, results from a G to C substitution at nucleotide position 343. The glutamic acid at codon 115 is replaced by glutamine, an amino acid with highly similar properties. This amino acid position is conserved. In addition, this alteration is predicted to be tolerated by in silico analysis. Based on the available evidence, the clinical significance of this variant remains unclear.